The following is an entry in ClinVar:

ClinVar aggregate classification (germline): Uncertain significance (1 of 4 stars; one submission).

Submission:

GeneDx
Classification: Uncertain significance. Last evaluated: 2017-03-23. Review status: criteria provided, single submitter. Criteria: GeneDx Variant Classification (06012015). Collection method: clinical testing. Allele origin: germline. Affected: yes.
Comment: The c.433-2_433-1delAGinsTC variant in the ACO2 gene has not been reported previously as a pathogenic variant nor as a benign variant, to our knowledge. This splice site variant destroys the canonical splice acceptor site in intron 3. It is predicted to cause abnormal gene splicing resulting in an in-frame protein product with an abnormal message. However, in the absence of RNA/functional studies, the actual effect of c.624+2T>C in this individual is unknown. The c.433-2_433-1delAGinsTC variant is not observed in large population cohorts (Lek et al., 2016; 1000 Genomes Consortium et al., 2015; Exome Variant Server). We interpret c.433-2_433-1delAGinsTC as a variant of uncertain significance.

NM_001098.3(ACO2):c.433-2_433-1delinsTC

Gene: ACO2 (aconitase 2; plus strand). Cytogenetic location: 22q13.2.
Variant type: Indel.
Coding change: c.433-2_433-1delinsTC on transcript NM_001098.3 (MANE Select); the canonical splice acceptor site of the intron before coding-DNA position 433, AG replaced by TC.
Molecular consequence: splice acceptor variant.
Genome position (GRCh38, 1-based): chr22:41,511,874-41,511,875, AG replaced by TC. VCF-style: chr22-41511874-AG-TC. GRCh37 (hg19) VCF-style: chr22-41907878-AG-TC.
Identifiers: ClinVar variation 424560 (VCV000424560.2), dbSNP rs1064797041, ClinGen allele CA16621128.